The following is an entry in ClinVar:

ClinVar aggregate classification (germline): Pathogenic. Review status: criteria provided, multiple submitters, no conflicts (2 of 4 stars). 4 submissions from 4 submitters: Pathogenic (4). Last evaluated 2024-08-02.

Conditions:
Hereditary cancer-predisposing syndrome. Also called: Neoplastic Syndromes, Hereditary; Hereditary Cancer Syndrome; Tumor predisposition; Hereditary neoplastic syndrome. Identifiers: Orphanet 140162, MedGen C0027672, MeSH D009386, MONDO:0015356.
Ataxia-telangiectasia syndrome (AT). Also called: LOUIS-BAR SYNDROME; Cerebello-oculocutaneous telangiectasia; Immunodeficiency with ataxia telangiectasia; Ataxia-telangiectasia, complementation group D; AT, COMPLEMENTATION GROUP C; Ataxia-telangiectasia, complementation group E. Identifiers: Orphanet 100, MedGen C0004135, MONDO:0008840, OMIM 208900.

Submissions (4):

Ambry Genetics
Classification: Pathogenic for Hereditary cancer-predisposing syndrome. Last evaluated: 2024-08-02. Review status: criteria provided, single submitter. Criteria: Ambry Variant Classification Scheme 2023. Collection method: clinical testing. Allele origin: germline.
Comment: The c.8269delG pathogenic mutation, located in coding exon 56 of the ATM gene, results from a deletion of one nucleotide at nucleotide position 8269, causing a translational frameshift with a predicted alternate stop codon (p.V2757Wfs*49). In addition, in silico splice site analysis predicts that this alteration will weaken the native splice acceptor site. RNA studies have demonstrated that this alteration results in an incomplete splice defect; however, the abnormally spliced transcript is predicted to remove a critical region of the protein (Ambry internal data). Based on the supporting evidence, this alteration is interpreted as a disease-causing mutation.

Labcorp Genetics (formerly Invitae), Labcorp
Classification: Pathogenic for Ataxia-telangiectasia syndrome. Last evaluated: 2024-06-18. Review status: criteria provided, single submitter. Criteria: Invitae Variant Classification Sherloc (09022015). Collection method: clinical testing. Allele origin: germline.
Comment: This sequence change creates a premature translational stop signal (p.Val2757Trpfs*49) in the ATM gene. It is expected to result in an absent or disrupted protein product. Loss-of-function variants in ATM are known to be pathogenic (PMID: 23807571, 25614872). This variant is not present in population databases (gnomAD no frequency). This variant has not been reported in the literature in individuals affected with ATM-related conditions. ClinVar contains an entry for this variant (Variation ID: 478987). Algorithms developed to predict the effect of sequence changes on RNA splicing suggest that this variant may disrupt the consensus splice site. For these reasons, this variant has been classified as Pathogenic.

GeneDx
Classification: Pathogenic. Last evaluated: 2023-12-12. Review status: criteria provided, single submitter. Criteria: GeneDx Variant Classification Process June 2021. Collection method: clinical testing. Allele origin: germline. Affected: yes.
Comment: Frameshift variant predicted to result in protein truncation or nonsense mediated decay in a gene for which loss of function is a known mechanism of disease; Not observed at significant frequency in large population cohorts (gnomAD); Truncating variants in this gene are considered pathogenic by a well-established clinical consortium and/or database; Observed in at least one individual with ovarian cancer (PMID: 28888541); This variant is associated with the following publications: (PMID: 28888541)

CeGaT Center for Human Genetics Tuebingen
Classification: Pathogenic. Last evaluated: 2019-03-01. Review status: criteria provided, single submitter. Criteria: CeGaT Center For Human Genetics Tuebingen Variant Classification Criteria Version 2. Collection method: clinical testing. Allele origin: germline. Affected: yes. Observed: 1 variant allele.

Literature cited by the submitters: PubMed 23807571 (cited by Labcorp Genetics (formerly Invitae), Labcorp); PubMed 25614872 (cited by Labcorp Genetics (formerly Invitae), Labcorp).

NM_000051.3(ATM):c.8269del

Genes: ATM (ATM serine/threonine kinase; plus strand), C11orf65 (chromosome 11 open reading frame 65; minus strand). Cytogenetic location: 11q22.3.
Variant type: Deletion.
Coding change: c.8269del on transcript NM_000051.3; coding-DNA position 8269, one base deleted (G; older notation c.8269delG).
Molecular consequence: intron variant (on NM_001330368.2).
Genome position (GRCh38, 1-based): chr11:108,343,222, G deleted; the last of 2 consecutive G bases (chr11:108,343,221-108,343,222); deleting either gives the same sequence. VCF-style (leftmost placement, unchanged base first): chr11-108343220-AG-A. GRCh37 (hg19) VCF-style: chr11-108213947-AG-A.
Other names: c.641-34150del (NM_001330368.2); c.695-7929del (NM_001351110.2); c.8269delG (NM_000051.3).
Identifiers: ClinVar variation 478987 (VCV000478987.51), dbSNP rs1555135341, ClinGen allele CA658656235.